The following is an entry in ClinVar:

NM_001873.4(CPE):c.874A>G (p.Met292Val)

Gene: CPE (carboxypeptidase E; plus strand). Cytogenetic location: 4q32.3.
Variant type: single nucleotide variant.
Coding change: c.874A>G on transcript NM_001873.4 (MANE Select); coding-DNA position 874, A replaced by G.
Protein change: p.Met292Val; replaces methionine 292 with valine.
Molecular consequence: missense variant.
Genome position (GRCh38, 1-based): chr4:165,484,505, A>G. VCF-style: chr4-165484505-A-G. GRCh37 (hg19) VCF-style: chr4-166405657-A-G.
Other names: short protein forms M292V.
Identifiers: ClinVar variation 3345917 (VCV003345917.1).

ClinVar aggregate classification (germline): Uncertain significance (0 of 4 stars; one submission).

Conditions:
CPE-related disorder. Also called: CPE-related condition.

gnomAD v4.1: 7 of 1,614,002 alleles (0.00043%); highest among the groups gnomAD compares: African/African-American, 0.004%; no homozygotes.

Submission:

PreventionGenetics, part of Exact Sciences
Classification: Uncertain significance for CPE-related condition. Last evaluated: 2024-07-01. Review status: no assertion criteria provided. Collection method: clinical testing. Allele origin: germline.
Comment: The CPE c.874A>G variant is predicted to result in the amino acid substitution p.Met292Val. To our knowledge, this variant has not been reported in the literature. This variant is reported in 0.0040% of alleles in individuals of African descent in gnomAD. At this time, the clinical significance of this variant is uncertain due to the absence of conclusive functional and genetic evidence.